The following is an entry in ClinVar:

ClinVar aggregate classification (germline): Uncertain significance. Review status: criteria provided, multiple submitters, no conflicts (2 of 4 stars). 5 submissions from 5 submitters: Uncertain significance (5). Last evaluated 2025-11-11.

Conditions:
Inborn genetic diseases. Identifiers: MedGen C0950123, MeSH D030342.
Donnai-Barrow syndrome. Also called: DBS/FOAR SYNDROME; FACIOOCULOACOUSTICORENAL SYNDROME. Identifiers: Orphanet 2143, MedGen C1857277, MONDO:0009104, OMIM 222448.

Allele frequency attached by ClinVar (database versions not stated): ExAC 0.00002; gnomAD exomes 0.00002; gnomAD 0.00005 and 0.00007; TOPMed 0.00008; ESP Exome Variant Server 0.00015.
gnomAD v4.1: 33 of 1,614,240 alleles (0.002%); highest among the groups gnomAD compares: African/African-American, 0.036%; 2 homozygotes.

Submissions (5):

Labcorp Genetics (formerly Invitae), Labcorp
Classification: Uncertain significance. Last evaluated: 2025-11-11. Review status: criteria provided, single submitter. Criteria: Invitae Variant Classification Sherloc (09022015). Collection method: clinical testing. Allele origin: germline.
Comment: This sequence change replaces serine, which is neutral and polar, with glycine, which is neutral and non-polar, at codon 3561 of the LRP2 protein (p.Ser3561Gly). This variant is present in population databases (rs112419538, gnomAD 0.02%). This variant has not been reported in the literature in individuals affected with LRP2-related conditions. ClinVar contains an entry for this variant (Variation ID: 1415719). Invitae Evidence Modeling of protein sequence and biophysical properties (such as structural, functional, and spatial information, amino acid conservation, physicochemical variation, residue mobility, and thermodynamic stability) indicates that this missense variant is not expected to disrupt LRP2 protein function with a negative predictive value of 95%. In summary, the available evidence is currently insufficient to determine the role of this variant in disease. Therefore, it has been classified as a Variant of Uncertain Significance.

Ambry Genetics
Classification: Uncertain significance for Inborn genetic diseases. Last evaluated: 2025-06-07. Review status: criteria provided, single submitter. Criteria: Ambry Variant Classification Scheme 2023. Collection method: clinical testing. Allele origin: germline.

GeneDx
Classification: Uncertain significance. Last evaluated: 2024-12-14. Review status: criteria provided, single submitter. Criteria: GeneDx Variant Classification Process June 2021. Collection method: clinical testing. Allele origin: germline. Affected: yes.
Comment: In silico analysis indicates that this missense variant does not alter protein structure/function; Has not been previously published as pathogenic or benign to our knowledge

Fulgent Genetics
Classification: Uncertain significance for Donnai-Barrow syndrome. Last evaluated: 2021-12-27. Review status: criteria provided, single submitter. Criteria: ACMG Guidelines, 2015. Collection method: clinical testing. Allele origin: unknown.

Blueprint Genetics
Classification: Uncertain significance. Last evaluated: 2021-05-17. Review status: criteria provided, single submitter. Criteria: ACMG Guidelines, 2015. Collection method: clinical testing. Allele origin: germline.

NM_004525.3(LRP2):c.10681A>G (p.Ser3561Gly)

Gene: LRP2 (LDL receptor related protein 2; minus strand). Cytogenetic location: 2q31.1.
Variant type: single nucleotide variant.
Coding change: c.10681A>G on transcript NM_004525.3 (MANE Select); coding-DNA position 10681, A replaced by G.
Protein change: p.Ser3561Gly; replaces serine 3561 with glycine.
Molecular consequence: missense variant.
Genome position (GRCh38, 1-based): chr2:169,175,280, T>C on the plus strand (A>G on the coding strand, the complement: LRP2 is on the minus strand). VCF-style: chr2-169175280-T-C. GRCh37 (hg19) VCF-style: chr2-170031790-T-C.
Other names: c.10681A>G (NM_004525.2); short protein forms S3561G.
Identifiers: ClinVar variation 1415719 (VCV001415719.10), dbSNP rs112419538, ClinGen allele CA1953280.
Genomic context (GRCh38, chr2:169,175,280, plus strand): 5'-CATCAGGGCAATTTTGGTGAGCATTGCATAAAGTCTGCGGGCTGGTGCAGTTGCCGTCAC[T>C]GCACTGGAACTGTCCCAGTCGGCAGAAGCGCTGCGGGCAAAGGGCCAGTTCATCAGAGCC-3'
Protein context (NP_004516.2, residues 3551-3571): RFCRLGQFQC[Ser3561Gly]DGNCTSPQTL